The following is an entry in ClinVar:

ClinVar aggregate classification (germline): Uncertain significance (1 of 4 stars; one submission).

Submission:

Labcorp Genetics (formerly Invitae), Labcorp
Classification: Uncertain significance. Last evaluated: 2026-01-07. Review status: criteria provided, single submitter. Criteria: Invitae Variant Classification Sherloc (09022015). Collection method: clinical testing. Allele origin: germline.
Comment: This sequence change replaces glutamine, which is neutral and polar, with arginine, which is basic and polar, at codon 951 of the ARHGAP31 protein (p.Gln951Arg). This variant is not present in population databases (gnomAD no frequency). This variant has not been reported in the literature in individuals affected with ARHGAP31-related conditions. An algorithm developed to predict the effect of missense changes on protein structure and function (PolyPhen-2) suggests that this variant is likely to be disruptive. In summary, the available evidence is currently insufficient to determine the role of this variant in disease. Therefore, it has been classified as a Variant of Uncertain Significance.

NM_020754.4(ARHGAP31):c.2852A>G (p.Gln951Arg)

Gene: ARHGAP31 (Rho GTPase activating protein 31; plus strand). Cytogenetic location: 3q13.33.
Variant type: single nucleotide variant.
Coding change: c.2852A>G on transcript NM_020754.4 (MANE Select); coding-DNA position 2852, A replaced by G.
Protein change: p.Gln951Arg; replaces glutamine 951 with arginine.
Molecular consequence: missense variant.
Genome position (GRCh38, 1-based): chr3:119,414,781, A>G. VCF-style: chr3-119414781-A-G. GRCh37 (hg19) VCF-style: chr3-119133628-A-G.
Other names: short protein forms Q951R.
Identifiers: ClinVar variation 4734896 (VCV004734896.1).